The following is an entry in ClinVar:

ClinVar aggregate classification (germline): Benign (1 of 4 stars; one submission).

Conditions:
Congenital Muscular Dystrophy, alpha-dystroglycan related.

Allele frequency attached by ClinVar (database versions not stated): gnomAD exomes 0.00282; gnomAD 0.01446 and 0.01545; 1000 Genomes Project 0.01637; TOPMed 0.01673; 1000 Genomes Project 30x 0.01686.
gnomAD v4.1: 2,160 of 151,194 alleles (1.4%); highest among the groups gnomAD compares: African/African-American, 4.7%; 45 homozygotes.

Submission:

Illumina Laboratory Services, Illumina
Classification: Benign for Congenital Muscular Dystrophy, alpha-dystroglycan related. Last evaluated: 2018-01-12. Review status: criteria provided, single submitter. Criteria: ICSL Variant Classification Criteria 13 December 2019. Collection method: clinical testing. Allele origin: germline.
Comment: This variant was observed in the ICSL laboratory as part of a predisposition screen in an ostensibly healthy population. It had not been previously curated by ICSL or reported in the Human Gene Mutation Database (HGMD: prior to June 1st, 2018), and was therefore a candidate for classification through an automated scoring system. Utilizing variant allele frequency, disease prevalence and penetrance estimates, and inheritance mode, an automated score was calculated to assess if this variant is too frequent to cause the disease. Based on the score and internal cut-off values, a variant classified as benign is not then subjected to further curation. The score for this variant resulted in a classification of benign for this disease.

NM_001101426.4(CRPPA):c.*1099C>T

Gene: CRPPA (CDP-L-ribitol pyrophosphorylase A; minus strand). Cytogenetic location: 7p21.2.
Variant type: single nucleotide variant.
Coding change: c.*1099C>T on transcript NM_001101426.4 (MANE Select); 1099 bases downstream of the stop codon, C replaced by T.
Molecular consequence: 3 prime UTR variant. On other transcripts: non-coding transcript variant (1).
Genome position (GRCh38, 1-based): chr7:16,090,596, G>A on the plus strand (C>T on the coding strand, the complement: CRPPA is on the minus strand). VCF-style: chr7-16090596-G-A. GRCh37 (hg19) VCF-style: chr7-16130221-G-A.
Other names: c.*1099C>T (NM_001101417.4, NM_001368197.1).
Identifiers: ClinVar variation 359563 (VCV000359563.5), dbSNP rs141259768, ClinGen allele CA10628661.